The following is an entry in ClinVar:

ClinVar aggregate classification (germline): Uncertain significance (1 of 4 stars; one submission).

Allele frequency attached by ClinVar (database versions not stated): gnomAD exomes below 0.00001; gnomAD 0.00001.
gnomAD v4.1: 4 of 1,613,962 alleles (0.00025%); highest among the groups gnomAD compares: South Asian, 0.0033%; no homozygotes.

Submission:

CeGaT Center for Human Genetics Tuebingen
Classification: Uncertain significance. Last evaluated: 2023-07-01. Review status: criteria provided, single submitter. Criteria: CeGaT Center For Human Genetics Tuebingen Variant Classification Criteria Version 2. Collection method: clinical testing. Allele origin: germline. Affected: yes. Observed: 1 variant allele.
Comment: ITGB3: PM2

NM_000212.3(ITGB3):c.1935G>C (p.Lys645Asn)

Gene: ITGB3 (integrin subunit beta 3; plus strand). Cytogenetic location: 17q21.32.
Variant type: single nucleotide variant.
Coding change: c.1935G>C on transcript NM_000212.3 (MANE Select); coding-DNA position 1935, G replaced by C.
Protein change: p.Lys645Asn; replaces lysine 645 with asparagine.
Molecular consequence: missense variant.
Genome position (GRCh38, 1-based): chr17:47,300,499, G>C. VCF-style: chr17-47300499-G-C. GRCh37 (hg19) VCF-style: chr17-45377865-G-C.
Other names: short protein forms K645N.
Identifiers: ClinVar variation 2647874 (VCV002647874.24), dbSNP rs2065163301, ClinGen allele CA400032887.
Genomic context (GRCh38, chr17:47,300,499, plus strand): 5'-TCCTTCTTTGCCTTAATCACTGTGTCCTCTCTCCTTCAGAGAATGTGTGGAGTGTAAGAA[G>C]TTTGACCGGGGAGCCCTACATGACGAAAATACCTGCAACCGTTACTGCCGTGACGAGATT-3'
Protein context (NP_000203.2, residues 635-655): TFKKECVECK[Lys645Asn]FDRGALHDEN